The following is an entry in ClinVar:

ClinVar aggregate classification (germline): Uncertain significance (1 of 4 stars; one submission).

Conditions:
Autosomal dominant nocturnal frontal lobe epilepsy 5. Also called: CILIARY DYSKINESIA, PRIMARY, 28, WITH SITUS INVERSUS; CILIARY DYSKINESIA, PRIMARY, 28, WITHOUT SITUS INVERSUS; KCNT1-Related Epilepsy; Epilepsy, nocturnal frontal lobe, 5. Identifiers: Orphanet 98784, MedGen C3554306, MONDO:0014002, OMIM 615005.
Developmental and epileptic encephalopathy, 14 (DEE14). Also called: Early infantile epileptic encephalopathy 14. Identifiers: Orphanet 293181, MedGen C3554195, MONDO:0013989, OMIM 614959.

gnomAD v4.1: 1 of 1,549,750 alleles (0.000065%); highest among the groups gnomAD compares: African/African-American, 0.0014%; no homozygotes.

Submission:

Labcorp Genetics (formerly Invitae), Labcorp
Classification: Uncertain significance for Autosomal dominant nocturnal frontal lobe epilepsy 5; Developmental and epileptic encephalopathy, 14. Last evaluated: 2023-11-27. Review status: criteria provided, single submitter. Criteria: Invitae Variant Classification Sherloc (09022015). Collection method: clinical testing. Allele origin: germline.
Comment: This sequence change replaces glutamic acid, which is acidic and polar, with valine, which is neutral and non-polar, at codon 733 of the KCNT1 protein (p.Glu733Val). This variant is not present in population databases (gnomAD no frequency). This variant has not been reported in the literature in individuals affected with KCNT1-related conditions. ClinVar contains an entry for this variant (Variation ID: 2011191). Advanced modeling of protein sequence and biophysical properties (such as structural, functional, and spatial information, amino acid conservation, physicochemical variation, residue mobility, and thermodynamic stability) performed at Invitae indicates that this missense variant is not expected to disrupt KCNT1 protein function with a negative predictive value of 80%. In summary, the available evidence is currently insufficient to determine the role of this variant in disease. Therefore, it has been classified as a Variant of Uncertain Significance.

NM_020822.3(KCNT1):c.2198A>T (p.Glu733Val)

Gene: KCNT1 (potassium sodium-activated channel subfamily T member 1; plus strand). Cytogenetic location: 9q34.3.
Variant type: single nucleotide variant.
Coding change: c.2198A>T on transcript NM_020822.3 (MANE Select); coding-DNA position 2198, A replaced by T.
Protein change: p.Glu733Val; replaces glutamic acid 733 with valine.
Molecular consequence: missense variant.
Genome position (GRCh38, 1-based): chr9:135,772,904, A>T. VCF-style: chr9-135772904-A-T. GRCh37 (hg19) VCF-style: chr9-138664750-A-T.
Other names: c.2063A>T, p.Glu688Val (NM_001272003.2); short protein forms E688V, E733V.
Identifiers: ClinVar variation 2011191 (VCV002011191.4), dbSNP rs2131521801, ClinGen allele CA375511074.